The following is an entry in ClinVar:

ClinVar aggregate classification (germline): Uncertain significance (0 of 4 stars; one submission).

Conditions:
CLPTM1-related disorder. Also called: CLPTM1-related condition.

gnomAD v4.1: 70 of 1,334,716 alleles (0.0052%); highest among the groups gnomAD compares: Non-Finnish European, 0.0061%; no homozygotes.

Submission:

PreventionGenetics, part of Exact Sciences
Classification: Uncertain significance for CLPTM1-related condition. Last evaluated: 2024-03-14. Review status: no assertion criteria provided. Collection method: clinical testing. Allele origin: germline.
Comment: The CLPTM1 c.53G>A variant is predicted to result in the amino acid substitution p.Gly18Glu. To our knowledge, this variant has not been reported in the literature. This variant is reported in 0.010% of alleles in individuals of European (Non-Finnish) descent in gnomAD. At this time, the clinical significance of this variant is uncertain due to the absence of conclusive functional and genetic evidence.

NM_001294.4(CLPTM1):c.53G>A (p.Gly18Glu)

Genes: CLPTM1 (CLPTM1 regulator of GABA type A receptor forward trafficking; plus strand), LOC130064657 (ATAC-STARR-seq lymphoblastoid silent region 10745; plus strand). Cytogenetic location: 19q13.32.
Variant type: single nucleotide variant.
Coding change: c.53G>A on transcript NM_001294.4 (MANE Select); coding-DNA position 53, G replaced by A.
Protein change: p.Gly18Glu; replaces glycine 18 with glutamic acid.
Molecular consequence: missense variant. On other transcripts: intron variant (2).
Genome position (GRCh38, 1-based): chr19:44,955,448, G>A. VCF-style: chr19-44955448-G-A. GRCh37 (hg19) VCF-style: chr19-45458705-G-A.
Other names: c.-235+747G>A (NM_001282176.2); c.30+363G>A (NM_001282175.2); short protein forms G18E.
Identifiers: ClinVar variation 3350762 (VCV003350762.1).